The following is an entry in ClinVar:

NM_000130.4(F5):c.1601G>A (p.Arg534Gln)

Gene: F5 (coagulation factor V; minus strand). Cytogenetic location: 1q24.2.
Variant type: single nucleotide variant.
Coding change: c.1601G>A on transcript NM_000130.4; coding-DNA position 1601, G replaced by A.
Protein change: p.Arg534Gln; replaces arginine 534 with glutamine.
Molecular consequence: missense variant (on NM_000130.5).
Genome position (GRCh38, 1-based): chr1:169,549,811, C>T on the plus strand (G>A on the coding strand, the complement: F5 is on the minus strand). VCF-style: chr1-169549811-C-T. GRCh37 (hg19) VCF-style: chr1-169519049-T-T.
Other names: F5, ARG506GLN; R506Q; F5:c.1601G>A (p.Arg534Gln); factor V Leiden; c.1601G>A, p.Arg534Gln (NM_000130.5); short protein forms R534Q.
Identifiers: ClinVar variation 642 (VCV000000642.133), dbSNP rs6025, ClinGen allele CA114378.

ClinVar aggregate classification (germline): drug response. Review status: reviewed by expert panel (3 of 4 stars). 33 submissions from 28 submitters: drug response (1). 32 of the submissions do not count toward it. Last evaluated 2021-03-24.

Conditions:
Budd-Chiari syndrome (BDCHS). Also called: Hepatic vein obstruction. Identifiers: Orphanet 131, MedGen C0856761, MONDO:0010947, OMIM 600880, HP:0002639.
Thrombophilia due to activated protein C resistance (THPH2). Also called: Hereditary Resistance to Activated Protein C; APC resistance; PCCF DEFICIENCY; PROC COFACTOR DEFICIENCY; THROMBOPHILIA DUE TO DEFICIENCY OF ACTIVATED PROTEIN C COFACTOR; THROMBOPHILIA V. Identifiers: MedGen C1861171, MONDO:0008560, OMIM 188055. Disease mechanism: gain of function, loss of function.
Pregnancy loss, recurrent, susceptibility to, 1 (RPRGL1). Also called: EMBRYONIC LOSS, RECURRENT; MISCARRIAGE, RECURRENT; STILLBIRTH, RECURRENT; FETAL LOSS, RECURRENT, SUSCEPTIBILITY TO. Identifiers: MedGen C3280670, MONDO:0013727, OMIM 614389.
Congenital factor V deficiency. Also called: LABILE FACTOR DEFICIENCY; OWREN PARAHEMOPHILIA; PARAHEMOPHILIA; Hereditary factor V deficiency disease. Identifiers: Orphanet 326, MedGen C0015499, MONDO:0009210, OMIM 227400.
Ischemic stroke. Also called: CEREBROVASCULAR ACCIDENT; Ischemic stroke, susceptibility to. Identifiers: MedGen C0948008, MONDO:1060198, OMIM 601367, HP:0002140.
Susceptibility to severe coronavirus disease (COVID-19) due to an impaired coagulation process.
Inborn genetic diseases. Identifiers: MedGen C0950123, MeSH D030342.
Factor V deficiency. Also called: Reduced coagulation factor V activity. Identifiers: Orphanet 326, MedGen C4317320, MONDO:0020586, HP:0003225.
hormonal contraceptives for systemic use response - Toxicity.
Budd-Chiari syndrome, susceptibility to.

Allele frequency attached by ClinVar (database versions not stated): gnomAD exomes 0.02202; 1000 Genomes Project 30x 0.00593; TOPMed 0.01674; gnomAD 0.01680 and 0.01762.
gnomAD v4.1: 34,574 of 1,613,166 alleles (2.1%); highest among the groups gnomAD compares: Middle Eastern, 3.9%; 450 homozygotes.

Submissions 1 to 10 of 33:

ClinPGx
Classification: drug response for hormonal contraceptives for systemic use response - Toxicity. Last evaluated: 2021-03-24. Review status: reviewed by expert panel. Criteria: Pharmacogenomics knowledge for personalized medicine. Collection method: curation. Allele origin: germline. Affected: yes.
Comment: PharmGKB Level of Evidence 1A: Level 1A clinical annotations describe variant-drug combinations that have variant-specific prescribing guidance available in a current clinical guideline annotation or an FDA-approved drug label annotation. Annotations of drug labels or clinical guidelines must give prescribing guidance for specific variants (e.g. CYP2C9*3, HLA-B*57:01) or provide mapping from defined allele functions to diplotypes and phenotypes to be used as supporting evidence for a level 1A clinical annotation. Level 1A clinical annotations must also be supported by at least one publication in addition to a clinical guideline or drug label with variant-specific prescribing guidance.

Drug is not necessarily used to treat response condition

Service of Pediatric Gastrohepatology and Metabolic Diseases, University of Medicine of Tirana
Classification: Pathogenic for Thrombophilia due to activated protein C resistance. Last evaluated: 2026-04-29. Review status: criteria provided, single submitter. Criteria: ACMG Guidelines, 2015. Collection method: clinical testing. Allele origin: germline. Inheritance: Autosomal dominant inheritance. Affected: yes. Observed: 1 variant allele. Not counted in ClinVar's aggregate classification.
Comment: F5 c.1601G>A was classified as Pathogenic using ACMG/AMP 2015 criteria (PMID:25741868). The interpretation considered established disease association for the F5 variant/region where applicable, PM2/BS1 population-frequency assessment as appropriate, PP3 for predicted functional impact, and PP4 for phenotype or thrombophilia context consistent with activated protein C resistance/thrombophilia (OMIM:188055).

Dasa
Classification: Pathogenic. Last evaluated: 2026-04-24. Review status: criteria provided, single submitter. Criteria: DASA Assertion Criteria. Collection method: clinical testing. Allele origin: germline. Not counted in ClinVar's aggregate classification.
Comment: NM_000130.5(F5):c.1601G>A (p.Arg534Gln) is a missense variant that results in the substitution of arginine with glutamine. This variant has been observed in affected individuals with related phenotype in a genotype context consistent with recessive disease (PMID: 8164741; PMID: 7910348; PMID: 23900608; PMID: 19652888; PMID: 7911872). Functional evidence supports a deleterious effect on the gene or gene product (PMID: 8164741; PMID: 7910348; PMID: 23900608; PMID: 19652888; PMID: 7911872). This variant has been recurrently observed in individuals with related phenotype (PMID: 8164741; PMID: 7910348; PMID: 23900608; PMID: 19652888; PMID: 7911872). The variant is present at low frequency in population datasets. Based on the available data, this variant is classified as pathogenic.

Labcorp Genetics (formerly Invitae), Labcorp
Classification: Pathogenic for Congenital factor V deficiency. Last evaluated: 2026-02-03. Review status: criteria provided, single submitter. Criteria: Invitae Variant Classification Sherloc (09022015). Collection method: clinical testing. Allele origin: germline. Not counted in ClinVar's aggregate classification.
Comment: This sequence change replaces arginine with glutamine at codon 534 of the F5 protein (p.Arg534Gln). The arginine residue is weakly conserved and there is a small physicochemical difference between arginine and glutamine. This variant is present in population databases (no rsID available, gnomAD 3.0%), and has an allele count higher than expected for a pathogenic variant. This variant, also known as the Factor V Leiden mutation, is a well documented and common cause of activated protein C resistance (PMID: 8164741, 7910348). ClinVar contains an entry for this variant (Variation ID: 642). Algorithms developed to predict the effect of variants on gene product structure and function are not available or were not evaluated for this variant. Experimental studies have shown that this missense change affects F5 function (PMID: 7910348, 7911872). For these reasons, this variant has been classified as Pathogenic.

Victorian Clinical Genetics Services, Murdoch Childrens Research Institute
Classification: Pathogenic for Thrombophilia due to activated protein C resistance. Last evaluated: 2025-09-10. Review status: criteria provided, single submitter. Criteria: ACMG Guidelines, 2015. Collection method: clinical testing. Allele origin: germline. Affected: yes. Not counted in ClinVar's aggregate classification.
Comment: This variant is classified as Pathogenic. Evidence in support of pathogenic classification: This variant has strong previous evidence of pathogenicity in unrelated individuals. This variant has been reported as a risk factor in heterozygous individuals, who have an approximately 4 to 8-fold increased risk of venous thrombosis. Individuals homozygous for this variant have an approximately 80-fold increased risk of venous thrombosis compared to individuals without this variant. The variant has also been associated with recurrent pregnancy loss (PMID: 30297698); Variant is located in the well-established functional domain. The Arg534 codon is the first cleavage site for activated protein C (APC) to initial inactivation of factor V. The p.(Arg534Gln) variant eliminates the APC cleavage site, resulting in resistance to APC inactivation of factor V, leading to more thrombin generation (PMID: 30297698). Additional information: Variant is predicted to result in a missense amino acid change from arginine to glutamine; This variant is heterozygous; This gene is associated with both recessive and dominant disease. Factor V deficiency (MIM# 227400) is inherited in a recessive manner, however thrombophilia due to activated protein C resistance (MIM#188055) is autosomal dominant, although the risk is increased when recessive inheritance occurs; Variant is present in gnomAD (v3) >=0.01 and <0.03 for a recessive condition (2449 heterozygotes, 31 homozygotes); No comparable missense variants have previous evidence for pathogenicity; Missense variant with conflicting in silico predictions and uninformative conservation; Gain of function and loss of function are known mechanisms of disease in this gene. Loss of function leads to factor V deficiency (MIM# 227400), whereas gain of function is associated with thrombophilia due to activated protein C resistance (MIM#188055); The condition associated with this gene has incomplete penetrance. The most commonly reported F5 variant (p.(Arg534Gln), also known as the Leiden variant) associated with thrombophilia has low penetrance and is considered to be a risk factor (PMID: 30297698).

Center for Genomic Medicine, Rigshospitalet, Copenhagen University Hospital
Classification: Pathogenic. Last evaluated: 2025-03-04. Review status: criteria provided, single submitter. Criteria: ACMG Guidelines, 2015. Collection method: clinical testing. Allele origin: germline. Not counted in ClinVar's aggregate classification.

Laboratory of Genetics, Children's Clinical University Hospital Latvia
Classification: Pathogenic. Last evaluated: 2025-02-16. Review status: criteria provided, single submitter. Criteria: ACMG Guidelines, 2015. Collection method: clinical testing. Allele origin: germline. Affected: yes. Not counted in ClinVar's aggregate classification.

Greenwood Genetic Center Diagnostic Laboratories, Greenwood Genetic Center
Classification: Pathogenic for Thrombophilia due to activated protein C resistance. Last evaluated: 2025-02-04. Review status: criteria provided, single submitter. Criteria: ACMG Guidelines, 2015. Collection method: clinical testing. Allele origin: germline. Affected: yes. Not counted in ClinVar's aggregate classification.
Comment: PS3, PS4

Fulgent Genetics
Classification: Pathogenic for Thrombophilia due to activated protein C resistance; Congenital factor V deficiency; Budd-Chiari syndrome; Ischemic stroke; Pregnancy loss, recurrent, susceptibility to, 1. Last evaluated: 2024-06-19. Review status: criteria provided, single submitter. Criteria: ACMG Guidelines, 2015. Collection method: clinical testing. Allele origin: germline. Not counted in ClinVar's aggregate classification.

Baylor Genetics
Classification: Pathogenic for Thrombophilia due to activated protein C resistance. Last evaluated: 2023-07-12. Review status: criteria provided, single submitter. Criteria: ACMG Guidelines, 2015. Collection method: clinical testing. Allele origin: unknown. Not counted in ClinVar's aggregate classification.